The following is an entry in ClinVar:

ClinVar aggregate classification (germline): Pathogenic/Likely pathogenic. Review status: criteria provided, multiple submitters, no conflicts (2 of 4 stars). 2 submissions from 2 submitters: Pathogenic (1); Likely pathogenic (1). Last evaluated 2024-08-08.

Conditions:
Hereditary breast ovarian cancer syndrome. Also called: Hereditary breast and ovarian cancer syndrome; Hereditary breast and ovarian cancer syndrome (HBOC); BRCA1- and BRCA2-Associated Hereditary Breast and Ovarian Cancer; Hereditary breast and ovarian cancer; Breast and ovarian cancer; Hereditary breast and/or ovarian cancer syndrome. Identifiers: Orphanet 145, MedGen C0677776, MeSH D061325, MONDO:0003582. Disease mechanism: loss of function.
Familial cancer of breast. Also called: hereditary breast carcinoma; BREAST CANCER, FAMILIAL; Hereditary breast cancer. Identifiers: Orphanet 227535, MedGen C0346153, MONDO:0016419, OMIM 114480. Disease mechanism: loss of function.

Submissions (2):

Labcorp Genetics (formerly Invitae), Labcorp
Classification: Pathogenic for Hereditary breast ovarian cancer syndrome. Last evaluated: 2024-08-08. Review status: criteria provided, single submitter. Criteria: Invitae Variant Classification Sherloc (09022015). Collection method: clinical testing. Allele origin: germline.
Comment: This sequence change creates a premature translational stop signal (p.Asp2692Thrfs*2) in the BRCA2 gene. It is expected to result in an absent or disrupted protein product. Loss-of-function variants in BRCA2 are known to be pathogenic (PMID: 20104584). This variant is not present in population databases (gnomAD no frequency). This variant has not been reported in the literature in individuals affected with BRCA2-related conditions. For these reasons, this variant has been classified as Pathogenic.

Baylor Genetics
Classification: Likely pathogenic for Familial cancer of breast. Last evaluated: 2023-06-22. Review status: criteria provided, single submitter. Criteria: ACMG Guidelines, 2015. Collection method: clinical testing. Allele origin: unknown.

Literature cited by the submitters: PubMed 20104584 (cited by Labcorp Genetics (formerly Invitae), Labcorp).

NM_000059.4(BRCA2):c.8074del (p.Asp2692fs)

Gene: BRCA2 (BRCA2 DNA repair associated; plus strand). Cytogenetic location: 13q13.1.
Variant type: Deletion.
Coding change: c.8074del on transcript NM_000059.4 (MANE Select); coding-DNA position 8074, one base deleted (G; older notation c.8074delG).
Protein change: p.Asp2692fs; shifts the reading frame from aspartic acid 2692.
Molecular consequence: frameshift variant. On other transcripts: non-coding transcript variant (1).
Genome position (GRCh38, 1-based): chr13:32,363,276, G deleted. VCF-style (leftmost placement, unchanged base first): chr13-32363275-TG-T. GRCh37 (hg19) VCF-style: chr13-32937412-TG-T.
Other names: c.7978del, p.Asp2660fs (NM_001406719.1); c.8074del, p.Asp2692fs (NM_001406720.1); c.3142del, p.Asp1048fs (NM_001406721.1); c.1657del, p.Asp553fs (NM_001406722.1); short protein forms D1048fs, D2660fs, D2692fs, D553fs.
Identifiers: ClinVar variation 2680265 (VCV002680265.3), dbSNP rs2548546346, ClinGen allele CA2695199718.